The following is an entry in ClinVar:

ClinVar aggregate classification (germline): Uncertain significance (1 of 4 stars; one submission).

Allele frequency attached by ClinVar (database versions not stated): gnomAD exomes below 0.00001.
gnomAD v4.1: 1 of 1,613,406 alleles (0.000062%); highest among the groups gnomAD compares: Non-Finnish European, 0.000085%; no homozygotes.

Submission:

Labcorp Genetics (formerly Invitae), Labcorp
Classification: Uncertain significance. Last evaluated: 2021-06-19. Review status: criteria provided, single submitter. Criteria: Invitae Variant Classification Sherloc (09022015). Collection method: clinical testing. Allele origin: germline.
Comment: This sequence change replaces serine with asparagine at codon 977 of the DSG1 protein (p.Ser977Asn). The serine residue is moderately conserved and there is a small physicochemical difference between serine and asparagine. This variant is not present in population databases (ExAC no frequency). In summary, the available evidence is currently insufficient to determine the role of this variant in disease. Therefore, it has been classified as a Variant of Uncertain Significance. Algorithms developed to predict the effect of missense changes on protein structure and function (SIFT, PolyPhen-2, Align-GVGD) all suggest that this variant is likely to be tolerated, but these predictions have not been confirmed by published functional studies and their clinical significance is uncertain. This variant has not been reported in the literature in individuals with DSG1-related conditions.

NM_001942.4(DSG1):c.2930G>A (p.Ser977Asn)

Genes: DSG1 (desmoglein 1; plus strand), DSG1-AS1 (DSG1 antisense RNA 1; minus strand). Cytogenetic location: 18q12.1.
Variant type: single nucleotide variant.
Coding change: c.2930G>A on transcript NM_001942.4 (MANE Select); coding-DNA position 2930, G replaced by A.
Protein change: p.Ser977Asn; replaces serine 977 with asparagine.
Molecular consequence: missense variant.
Genome position (GRCh38, 1-based): chr18:31,355,126, G>A. VCF-style: chr18-31355126-G-A. GRCh37 (hg19) VCF-style: chr18-28935089-G-A.
Other names: short protein forms S977N.
Identifiers: ClinVar variation 1434460 (VCV001434460.8), dbSNP rs2144128480, ClinGen allele CA402125155.